The following is an entry in ClinVar:

ClinVar aggregate classification (germline): Uncertain significance. Review status: criteria provided, multiple submitters, no conflicts (2 of 4 stars). 3 submissions from 3 submitters: Uncertain significance (3). Last evaluated 2025-07-17.

Conditions:
Hereditary cancer-predisposing syndrome. Also called: Neoplastic Syndromes, Hereditary; Tumor predisposition; Hereditary Cancer Syndrome; Hereditary neoplastic syndrome. Identifiers: Orphanet 140162, MedGen C0027672, MeSH D009386, MONDO:0015356.
Ataxia-telangiectasia-like disorder (ATLD). Identifiers: MedGen C1858391, MONDO:0011457.

Allele frequency attached by ClinVar (database versions not stated): ExAC 0.00001; gnomAD exomes 0.00001; TOPMed 0.00003.
gnomAD v4.1: 19 of 1,613,644 alleles (0.0012%); highest among the groups gnomAD compares: Middle Eastern, 0.017%; no homozygotes.

Submissions (3):

Quest Diagnostics Nichols Institute San Juan Capistrano
Classification: Uncertain significance. Last evaluated: 2025-07-17. Review status: criteria provided, single submitter. Criteria: Quest Diagnostics criteria. Collection method: clinical testing. Allele origin: unknown.

Ambry Genetics
Classification: Uncertain significance for Hereditary cancer-predisposing syndrome. Last evaluated: 2024-10-14. Review status: criteria provided, single submitter. Criteria: Ambry Variant Classification Scheme 2023. Collection method: clinical testing. Allele origin: germline.
Comment: The p.R604C variant (also known as c.1810C>T), located in coding exon 15 of the MRE11A gene, results from a C to T substitution at nucleotide position 1810. The arginine at codon 604 is replaced by cysteine, an amino acid with highly dissimilar properties. This variant has been reported as a variant of unknown significance in an individual with a personal history of breast cancer from a cohort of 1191 cancer index patients who underwent clinical evaluation and testing with multigene panels (Chan GHJ et al. Oncotarget, 2018 Jul;9:30649-30660). This amino acid position is not well conserved in available vertebrate species. In addition, this alteration is predicted to be tolerated by in silico analysis. Based on the available evidence, the clinical significance of this variant remains unclear.

Labcorp Genetics (formerly Invitae), Labcorp
Classification: Uncertain significance for Ataxia-telangiectasia-like disorder. Last evaluated: 2024-05-21. Review status: criteria provided, single submitter. Criteria: Invitae Variant Classification Sherloc (09022015). Collection method: clinical testing. Allele origin: germline.
Comment: This sequence change replaces arginine, which is basic and polar, with cysteine, which is neutral and slightly polar, at codon 604 of the MRE11 protein (p.Arg604Cys). This variant is present in population databases (rs750926542, gnomAD 0.006%). This missense change has been observed in individual(s) with breast cancer (PMID: 30093976). ClinVar contains an entry for this variant (Variation ID: 230936). An algorithm developed to predict the effect of missense changes on protein structure and function (PolyPhen-2) suggests that this variant is likely to be tolerated. In summary, the available evidence is currently insufficient to determine the role of this variant in disease. Therefore, it has been classified as a Variant of Uncertain Significance.

Literature cited by the submitters: PubMed 30093976 (cited by Ambry Genetics and Labcorp Genetics (formerly Invitae), Labcorp).

NM_005591.4(MRE11):c.1810C>T (p.Arg604Cys)

Gene: MRE11 (MRE11 double strand break repair nuclease; minus strand). Cytogenetic location: 11q21.
Variant type: single nucleotide variant.
Coding change: c.1810C>T on transcript NM_005591.4 (MANE Select); coding-DNA position 1810, C replaced by T.
Protein change: p.Arg604Cys; replaces arginine 604 with cysteine.
Molecular consequence: missense variant. On other transcripts: intron variant (1).
Genome position (GRCh38, 1-based): chr11:94,445,867, G>A on the plus strand (C>T on the coding strand, the complement: MRE11 is on the minus strand). VCF-style: chr11-94445867-G-A. GRCh37 (hg19) VCF-style: chr11-94179033-G-A.
Other names: c.1807C>T, p.Arg603Cys (NM_001330347.2); c.1783+1352C>T (NM_005590.4); short protein forms R604C, R603C.
Identifiers: ClinVar variation 230936 (VCV000230936.14), dbSNP rs750926542, ClinGen allele CA6234984.